The following is an entry in ClinVar:

NM_000197.2(HSD17B3):c.202-1G>A

Genes: HSD17B3 (hydroxysteroid 17-beta dehydrogenase 3; minus strand), SLC35D2-HSD17B3 (SLC35D2-HSD17B3 readthrough; minus strand). Cytogenetic location: 9q22.32.
Variant type: single nucleotide variant.
Coding change: c.202-1G>A on transcript NM_000197.2 (MANE Select); the canonical splice acceptor site of the intron before coding-DNA position 202, G replaced by A.
Molecular consequence: splice acceptor variant.
Genome position (GRCh38, 1-based): chr9:96,254,944, C>T on the plus strand (G>A on the coding strand, the complement: HSD17B3 is on the minus strand). VCF-style: chr9-96254944-C-T. GRCh37 (hg19) VCF-style: chr9-99017226-C-T.
Identifiers: ClinVar variation 488878 (VCV000488878.3), dbSNP rs1378603446, ClinGen allele CA374126328.

ClinVar aggregate classification (germline): Pathogenic. Review status: criteria provided, multiple submitters, no conflicts (2 of 4 stars). 2 submissions from 2 submitters: Pathogenic (2). Last evaluated 2023-11-20.

Conditions:
Testosterone 17-beta-dehydrogenase deficiency. Also called: 46,XY disorder of sex development due to 17-beta-hydroxysteroid dehydrogenase 3 deficiency; Pseudohermaphroditism male with gynecomastia; 17 alpha ketosteroid reductase deficiency of testis; 17 alpha KSR deficiency; Neutral 17 beta hydroxysteroid oxidoreductase deficiency; Male pseudoherma-phroditism with gynecomastia. Identifiers: Orphanet 752, MedGen C0268296, MONDO:0009916, OMIM 264300. Disease mechanism: loss of function.

Allele frequency attached by ClinVar (database versions not stated): gnomAD exomes below 0.00001 and 0.00001.
gnomAD v4.1: 9 of 1,613,436 alleles (0.00056%); highest among the groups gnomAD compares: Non-Finnish European, 0.00068%; no homozygotes.

Submissions (2):

Clinical Biochemistry Laboratory, Health Services Laboratory
Classification: Pathogenic for Testosterone 17-beta-dehydrogenase deficiency. Last evaluated: 2023-11-20. Review status: criteria provided, single submitter. Criteria: ACMG Guidelines, 2015. Collection method: clinical testing. Allele origin: germline. Affected: yes.
Comment: ACMG:PVS1 PM2 PM3

GeneDx
Classification: Pathogenic. Last evaluated: 2018-05-24. Review status: criteria provided, single submitter. Criteria: GeneDx Variant Classification (06012015). Collection method: clinical testing. Allele origin: germline. Affected: yes.
Comment: The c.202-1G>A variant in the HSD17B3 gene has been reported previously in the heterozygous state with a second HSD17B3 variant in an individual with 17-beta hydroxysteroid dehydrogenase 3 deficiency (Phelan et al., 2015). This splice site variant destroys the canonical splice acceptor site in intron 2. It is predicted to cause abnormal gene splicing, either leading to an abnormal message that is subject to nonsense-mediated mRNA decay, or to an abnormal protein product if the message is used for protein translation. The c.202-1G>A variant is not observed at a significant frequency in large population cohorts (Lek et al., 2016). We interpret c.202-1G>A as a pathogenic variant.

Literature cited by the submitters: PubMed 25740850 (cited by Clinical Biochemistry Laboratory, Health Services Laboratory).